The following is an entry in ClinVar:

ClinVar aggregate classification (germline): Uncertain significance (1 of 4 stars; one submission).

Submission:

GeneDx
Classification: Uncertain significance. Last evaluated: 2024-02-29. Review status: criteria provided, single submitter. Criteria: GeneDx Variant Classification Process June 2021. Collection method: clinical testing. Allele origin: germline. Affected: yes.
Comment: Not observed at significant frequency in large population cohorts (gnomAD); In silico analysis supports that this missense variant does not alter protein structure/function; Has not been previously published as pathogenic or benign to our knowledge

NM_001191061.2(SLC25A22):c.226G>A (p.Val76Ile)

Gene: SLC25A22 (solute carrier family 25 member 22; minus strand). Cytogenetic location: 11p15.5.
Variant type: single nucleotide variant.
Coding change: c.226G>A on transcript NM_001191061.2 (MANE Select); coding-DNA position 226, G replaced by A.
Protein change: p.Val76Ile; replaces valine 76 with isoleucine.
Molecular consequence: missense variant. On other transcripts: 5 prime UTR variant (1).
Genome position (GRCh38, 1-based): chr11:793,596, C>T on the plus strand (G>A on the coding strand, the complement: SLC25A22 is on the minus strand). VCF-style: chr11-793596-C-T. GRCh37 (hg19) VCF-style: chr11-793596-C-T.
Other names: c.226G>A, p.Val76Ile (NM_001191060.2, NM_001425335.1, NM_001425336.1 and 6 more transcripts); c.301G>A, p.Val101Ile (NM_001425334.1); c.223G>A, p.Val75Ile (NM_001425340.1); c.214G>A, p.Val72Ile (NM_001425341.1); c.-93G>A (NM_001425344.1); short protein forms V101I, V72I, V75I, V76I.
Identifiers: ClinVar variation 3340215 (VCV003340215.1).